The following is an entry in ClinVar:

NM_000268.4(NF2):c.449dup (p.Tyr150Ter)

Gene: NF2 (NF2, moesin-ezrin-radixin like (MERLIN) tumor suppressor; plus strand). Cytogenetic location: 22q12.2.
Variant type: Duplication.
Coding change: c.449dup on transcript NM_000268.4 (MANE Select); coding-DNA position 449, one base duplicated (A; older notation c.449dupA).
Protein change: p.Tyr150Ter; replaces tyrosine 150 with a stop codon.
Molecular consequence: nonsense. On other transcripts: frameshift variant (1), 5 prime UTR variant (1), intron variant (1).
Genome position (GRCh38, 1-based): chr22:29,654,658, A duplicated. VCF-style (leftmost placement, unchanged base first): chr22-29654657-T-TA. GRCh37 (hg19) VCF-style: chr22-30050646-T-TA.
Other names: c.335dup, p.Tyr112Ter (NM_001407053.1, NM_001407056.1); c.326dup, p.Tyr109Ter (NM_001407054.1, NM_001407058.1, NM_001407062.1 and 1 more transcripts); c.323dup, p.Tyr108Ter (NM_001407055.1, NM_181828.3); c.449dup, p.Tyr150Ter (NM_001407057.1, NM_001407059.1, NM_001407060.1 and 4 more transcripts); c.449dupA (NM_000268.3); c.200dup, p.Tyr67Ter (NM_001407063.1, NM_001407064.1, NM_181830.3 and 1 more transcripts); c.-192dup (NM_001407065.1); c.218dup, p.Tyr73Ter (NM_001407067.1); and 1 more; short protein forms Y150*, Y108*, Y109*, Y112*, Y67*, Y73*.
Identifiers: ClinVar variation 4825434 (VCV004825434.1).

ClinVar aggregate classification (germline): Pathogenic (1 of 4 stars; one submission).

Conditions:
Hereditary cancer-predisposing syndrome. Also called: Neoplastic Syndromes, Hereditary; Tumor predisposition; Hereditary Cancer Syndrome; Hereditary neoplastic syndrome. Identifiers: Orphanet 140162, MedGen C0027672, MeSH D009386, MONDO:0015356.

Submission:

Ambry Genetics
Classification: Pathogenic for Hereditary cancer-predisposing syndrome. Last evaluated: 2026-02-17. Review status: criteria provided, single submitter. Criteria: Ambry Variant Classification Scheme 2023. Collection method: clinical testing. Allele origin: germline.
Comment: The c.449dupA pathogenic mutation, located in coding exon 5 of the NF2 gene, results from a duplication of A at nucleotide position 449, causing a translational frameshift with a predicted alternate stop codon (p.Y150*). This variant was reported in individual(s) with features consistent with NF2-related schwannomatosis (Ambry internal data). This variant is considered to be rare based on population cohorts in the Genome Aggregation Database (gnomAD). This alteration is expected to result in loss of function by premature protein truncation or nonsense-mediated mRNA decay. As such, this alteration is interpreted as a disease-causing mutation.